The following is an entry in ClinVar:

NM_000218.3(KCNQ1):c.890G>A (p.Gly297Asp)

Gene: KCNQ1 (potassium voltage-gated channel subfamily Q member 1; plus strand). Cytogenetic location: 11p15.5.
Variant type: single nucleotide variant.
Coding change: c.890G>A on transcript NM_000218.3 (MANE Select); coding-DNA position 890, G replaced by A.
Protein change: p.Gly297Asp; replaces glycine 297 with aspartic acid.
Molecular consequence: missense variant. On other transcripts: intron variant (1).
Genome position (GRCh38, 1-based): chr11:2,572,955, G>A. VCF-style: chr11-2572955-G-A. GRCh37 (hg19) VCF-style: chr11-2594185-G-A.
Other names: c.890G>A, p.Gly297Asp (NM_001406836.1); c.620G>A, p.Gly207Asp (NM_001406837.1); c.509G>A, p.Gly170Asp (NM_181798.2); c.478-10480G>A (NM_001406838.1); short protein forms G297D, G207D, G170D.
Identifiers: ClinVar variation 4736721 (VCV004736721.1).
Genomic context (GRCh38, chr11:2,572,955, plus strand): 5'-CGTACTTTGTGTACCTGGCTGAGAAGGACGCGGTGAACGAGTCAGGCCGCGTGGAGTTCG[G>A]CAGCTACGCAGATGCGCTGTGGTGGGGGGTGGTAAGTCGGAAACTTCCAGGCATGGGGAC-3'
Protein context (NP_000209.2, residues 287-307): AVNESGRVEF[Gly297Asp]SYADALWWGV

ClinVar aggregate classification (germline): Uncertain significance (1 of 4 stars; one submission).

Conditions:
Long QT syndrome (LQTS). Identifiers: MedGen C0023976, MeSH D008133, MONDO:0002442. Disease mechanism: loss of function. Inheritance: Various modes of inheritance.

gnomAD v4.1: 5 of 1,613,804 alleles (0.00031%); highest among the groups gnomAD compares: Non-Finnish European, 0.00042%; no homozygotes.

Submission:

Labcorp Genetics (formerly Invitae), Labcorp
Classification: Uncertain significance for Long QT syndrome. Last evaluated: 2025-10-08. Review status: criteria provided, single submitter. Criteria: Invitae Variant Classification Sherloc (09022015). Collection method: clinical testing. Allele origin: germline.
Comment: This sequence change replaces glycine, which is neutral and non-polar, with aspartic acid, which is acidic and polar, at codon 297 of the KCNQ1 protein (p.Gly297Asp). This variant is present in population databases (rs771647616, gnomAD 0.0009%). This variant has not been reported in the literature in individuals affected with KCNQ1-related conditions. Invitae Evidence Modeling of protein sequence and biophysical properties (such as structural, functional, and spatial information, amino acid conservation, physicochemical variation, residue mobility, and thermodynamic stability) has been performed for this missense variant. However, the output from this modeling did not meet the statistical confidence thresholds required to predict the impact of this variant on KCNQ1 protein function. In summary, the available evidence is currently insufficient to determine the role of this variant in disease. Therefore, it has been classified as a Variant of Uncertain Significance.